The following is an entry in ClinVar:

NM_001127222.2(CACNA1A):c.2335A>T (p.Ser779Cys)

Gene: CACNA1A (calcium voltage-gated channel subunit alpha1 A; minus strand). Cytogenetic location: 19p13.13.
Variant type: single nucleotide variant.
Coding change: c.2335A>T on transcript NM_001127222.2 (MANE Select); coding-DNA position 2335, A replaced by T.
Protein change: p.Ser779Cys; replaces serine 779 with cysteine.
Molecular consequence: missense variant.
Genome position (GRCh38, 1-based): chr19:13,299,298, T>A on the plus strand (A>T on the coding strand, the complement: CACNA1A is on the minus strand). VCF-style: chr19-13299298-T-A. GRCh37 (hg19) VCF-style: chr19-13410112-T-A.
Other names: c.2347A>T, p.Ser783Cys (NM_000068.4, NM_023035.3); c.2338A>T, p.Ser780Cys (NM_001127221.2, NM_001174080.2); short protein forms S779C, S783C, S780C.
Identifiers: ClinVar variation 1483734 (VCV001483734.6), dbSNP rs2144958254, ClinGen allele CA404343680.

ClinVar aggregate classification (germline): Uncertain significance (1 of 4 stars; one submission).

Conditions:
Developmental and epileptic encephalopathy, 42 (DEE42A). Also called: DEVELOPMENTAL AND EPILEPTIC ENCEPHALOPATHY 42A; EPILEPTIC ENCEPHALOPATHY, EARLY INFANTILE, 42A; Epileptic encephalopathy, early infantile, 42. Identifiers: MedGen C4310716, MONDO:0014917, OMIM 617106.
Episodic ataxia type 2 (EA2). Also called: ATAXIA, EPISODIC, WITH NYSTAGMUS; ATAXIA, FAMILIAL PAROXYSMAL; CEREBELLAR ATAXIA, PAROXYSMAL, ACETAZOLAMIDE-RESPONSIVE; CEREBELLOPATHY, HEREDITARY PAROXYSMAL; EPISODIC ATAXIA, NYSTAGMUS-ASSOCIATED; ACETAZOLAMIDE-RESPONSIVE HEREDITARY PAROXYSMAL CEREBELLAR ATAXIA. Identifiers: Orphanet 97, MedGen C1720416, MONDO:0007163, OMIM 108500.

Submission:

Labcorp Genetics (formerly Invitae), Labcorp
Classification: Uncertain significance for Developmental and epileptic encephalopathy, 42; Episodic ataxia type 2. Last evaluated: 2023-03-15. Review status: criteria provided, single submitter. Criteria: Invitae Variant Classification Sherloc (09022015). Collection method: clinical testing. Allele origin: germline.
Comment: This sequence change replaces serine, which is neutral and polar, with cysteine, which is neutral and slightly polar, at codon 780 of the CACNA1A protein (p.Ser780Cys). This variant is not present in population databases (gnomAD no frequency). This missense change has been observed in individual(s) with clinical features of CACNA1A-related conditions (Invitae). ClinVar contains an entry for this variant (Variation ID: 1483734). Advanced modeling of protein sequence and biophysical properties (such as structural, functional, and spatial information, amino acid conservation, physicochemical variation, residue mobility, and thermodynamic stability) performed at Invitae indicates that this missense variant is expected to disrupt CACNA1A protein function. In summary, the available evidence is currently insufficient to determine the role of this variant in disease. Therefore, it has been classified as a Variant of Uncertain Significance.